The following is an entry in ClinVar:

ClinVar aggregate classification (germline): Uncertain significance (1 of 4 stars; one submission).

Allele frequency attached by ClinVar (database versions not stated): ExAC 0.00001.
gnomAD v4.1: 11 of 1,614,042 alleles (0.00068%); highest among the groups gnomAD compares: South Asian, 0.011%; no homozygotes.

Submission:

Labcorp Genetics (formerly Invitae), Labcorp
Classification: Uncertain significance. Last evaluated: 2024-02-15. Review status: criteria provided, single submitter. Criteria: Invitae Variant Classification Sherloc (09022015). Collection method: clinical testing. Allele origin: germline.
Comment: This sequence change replaces threonine, which is neutral and polar, with isoleucine, which is neutral and non-polar, at codon 2810 of the VCAN protein (p.Thr2810Ile). This variant is present in population databases (rs749368703, gnomAD 0.006%). This variant has not been reported in the literature in individuals affected with VCAN-related conditions. Algorithms developed to predict the effect of missense changes on protein structure and function output the following: SIFT: "Not Available"; PolyPhen-2: "Benign"; Align-GVGD: "Not Available". The isoleucine amino acid residue is found in multiple mammalian species, which suggests that this missense change does not adversely affect protein function. In summary, the available evidence is currently insufficient to determine the role of this variant in disease. Therefore, it has been classified as a Variant of Uncertain Significance.

NM_004385.5(VCAN):c.8429C>T (p.Thr2810Ile)

Genes: VCAN (versican; plus strand), VCAN-AS1 (VCAN antisense RNA 1; minus strand). Cytogenetic location: 5q14.3.
Variant type: single nucleotide variant.
Coding change: c.8429C>T on transcript NM_004385.5 (MANE Select); coding-DNA position 8429, C replaced by T.
Protein change: p.Thr2810Ile; replaces threonine 2810 with isoleucine.
Molecular consequence: missense variant. On other transcripts: intron variant (2).
Genome position (GRCh38, 1-based): chr5:83,541,432, C>T. VCF-style: chr5-83541432-C-T. GRCh37 (hg19) VCF-style: chr5-82837251-C-T.
Other names: c.5468C>T, p.Thr1823Ile (NM_001164097.2); c.4004-4105C>T (NM_001164098.2); c.1043-4105C>T (NM_001126336.3); short protein forms T2810I, T1823I.
Identifiers: ClinVar variation 2828774 (VCV002828774.3), dbSNP rs749368703, ClinGen allele CA3333805.